The following is an entry in ClinVar:

NM_014363.6(SACS):c.4606G>T (p.Val1536Leu)

Gene: SACS (sacsin molecular chaperone; minus strand). Cytogenetic location: 13q12.12.
Variant type: single nucleotide variant.
Coding change: c.4606G>T on transcript NM_014363.6 (MANE Select); coding-DNA position 4606, G replaced by T.
Protein change: p.Val1536Leu; replaces valine 1536 with leucine.
Molecular consequence: missense variant.
Genome position (GRCh38, 1-based): chr13:23,339,270, C>A on the plus strand (G>T on the coding strand, the complement: SACS is on the minus strand). VCF-style: chr13-23339270-C-A. GRCh37 (hg19) VCF-style: chr13-23913409-C-A.
Other names: c.4165G>T, p.Val1389Leu (NM_001278055.2); short protein forms V1536L, V1389L.
Identifiers: ClinVar variation 426711 (VCV000426711.3), dbSNP rs764832688, ClinGen allele CA387528267.

ClinVar aggregate classification (germline): Uncertain significance. Review status: criteria provided, single submitter (1 of 4 stars). 2 submissions from 2 submitters: Uncertain significance (1). 1 of the submissions does not count toward it. Last evaluated 2017-04-06.

Conditions:
Charlevoix-Saguenay spastic ataxia (SACS). Also called: SPASTIC ATAXIA 6, AUTOSOMAL RECESSIVE; Spastic ataxia of Charlevoix-Saguenay; AUTOSOMAL RECESSIVE SPASTIC ATAXIA OF CHARLEVOIX-SAGUENAY. Identifiers: Orphanet 98, MedGen C1849140, MONDO:0010041, OMIM 270550.

gnomAD v4.1: 2 of 1,602,966 alleles (0.00012%); highest among the groups gnomAD compares: South Asian, 0.0023%; no homozygotes.

Submissions (2):

GeneDx
Classification: Uncertain significance. Last evaluated: 2017-04-06. Review status: criteria provided, single submitter. Criteria: GeneDx Variant Classification (06012015). Collection method: clinical testing. Allele origin: germline. Affected: yes.
Comment: The V1536L variant in the SACS gene has not been reported previously as a pathogenic variant, nor as a benign variant, to our knowledge. The V1536L variant is not observed in large population cohorts (Lek et al., 2016; 1000 Genomes Consortium et al., 2015; Exome Variant Server). The V1536L variant is a conservative amino acid substitution, which is not likely to impact secondary protein structure as these residues share similar properties. This substitution occurs at a position where amino acids with similar properties to Valine are tolerated across species. In silico analysis predicts this variant likely does not alter the protein structure/function. We interpret V1536L as a variant of uncertain significance.

Natera, Inc.
Classification: Uncertain significance for Charlevoix-Saguenay type spastic ataxia. Last evaluated: 2021-01-19. Review status: no assertion criteria provided. Collection method: clinical testing. Allele origin: germline. Not counted in ClinVar's aggregate classification.